The following is an entry in ClinVar:

NM_001024630.4(RUNX2):c.674G>A (p.Arg225Gln)

Gene: RUNX2 (RUNX family transcription factor 2; plus strand). Cytogenetic location: 6p21.1.
Variant type: single nucleotide variant.
Coding change: c.674G>A on transcript NM_001024630.4 (MANE Select); coding-DNA position 674, G replaced by A.
Protein change: p.Arg225Gln; replaces arginine 225 with glutamine.
Molecular consequence: missense variant.
Genome position (GRCh38, 1-based): chr6:45,438,040, G>A. VCF-style: chr6-45438040-G-A. GRCh37 (hg19) VCF-style: chr6-45405777-G-A.
Other names: c.674G>A, p.Arg225Gln (NM_001015051.4); c.632G>A, p.Arg211Gln (NM_001278478.2, NM_001369405.1); short protein forms R225Q, R211Q.
Identifiers: ClinVar variation 9302 (VCV000009302.34), dbSNP rs104893991, ClinGen allele CA280138.

ClinVar aggregate classification (germline): Pathogenic. Review status: criteria provided, multiple submitters, no conflicts (2 of 4 stars). 15 submissions from 15 submitters: Pathogenic (11). 4 of the submissions do not count toward it. Last evaluated 2026-08-07.

Conditions:
RUNX2-related disorder. Also called: RUNX2-related condition.
Metaphyseal dysplasia-maxillary hypoplasia-brachydacty syndrome. Also called: Metaphyseal dysplasia with maxillary hypoplasia and brachydactyly; Metaphyseal dysplasia with maxillary hypoplasia with or without brachydactyly; METAPHYSEAL DYSPLASIA AND MAXILLARY HYPOPLASIA WITH OR WITHOUT BRACHYDACTYLY. Identifiers: Orphanet 2504, MedGen C3549874, MONDO:0007984, OMIM 156510.
Cleidocranial dysostosis (CLCD1). Also called: Marie-Sainton disease; Cleidocranial Dysplasia Spectrum Disorder; cleidocranial dysplasia 1. Identifiers: Orphanet 1452, MedGen C0008928, MONDO:0007340, OMIM 119600.

Allele frequency attached by ClinVar (database versions not stated): gnomAD exomes below 0.00001.
gnomAD v4.1: 2 of 1,604,936 alleles (0.00012%); highest among the groups gnomAD compares: Non-Finnish European, 0.00017%; no homozygotes.

Submissions (15):

PreventionGenetics, part of Exact Sciences
Classification: Pathogenic for RUNX2-related condition. Last evaluated: 2026-08-07. Review status: criteria provided, single submitter. Criteria: ACMG Guidelines, 2015. Collection method: clinical testing. Allele origin: germline.
Comment: The RUNX2 c.674G>A variant is predicted to result in the amino acid substitution p.Arg225Gln. This variant has been reported in multiple individuals with cleidocranial dysplasia (see for example: Zhou et al. 1999. PubMed ID: 10545612; Lee et al. 2013. PubMed ID: 24222232; Wu et al. 2014. PubMed ID: 24634175; Bufalino et al. 2012. PubMed ID: 22023169). This variant was also reported in two CCD patients (father and daughter) who also had a limb-girdle myopathy phenotype (Hsueh et al. 2017. PubMed ID: 28056872). In addition, similar variants affecting the same amino acid (c.673C>T, p.Arg225Trp and c.674G>T, p.Arg225Leu) were also reported to be pathogenic (Quack et al. 1999. PubMed ID: 10521292; Zhang et al. 2009. PubMed ID: 19767586). Therefore, we classify this variant as pathogenic.

Labcorp Genetics (formerly Invitae), Labcorp
Classification: Pathogenic. Last evaluated: 2025-12-11. Review status: criteria provided, single submitter. Criteria: Invitae Variant Classification Sherloc (09022015). Collection method: clinical testing. Allele origin: germline.
Comment: This sequence change replaces arginine, which is basic and polar, with glutamine, which is neutral and polar, at codon 225 of the RUNX2 protein (p.Arg225Gln). This variant is not present in population databases (gnomAD no frequency). This missense change has been observed in individual(s) with clinical features of cleidocranial dysplasia (PMID: 10545612, 24222232, 24634175). In at least one individual the variant was observed to be de novo. It has also been observed to segregate with disease in related individuals. ClinVar contains an entry for this variant (Variation ID: 9302). Invitae Evidence Modeling of protein sequence and biophysical properties (such as structural, functional, and spatial information, amino acid conservation, physicochemical variation, residue mobility, and thermodynamic stability) indicates that this missense variant is expected to disrupt RUNX2 protein function with a positive predictive value of 80%. Experimental studies have shown that this missense change affects RUNX2 function (PMID: 10545612). For these reasons, this variant has been classified as Pathogenic.

CeGaT Center for Human Genetics Tuebingen
Classification: Pathogenic. Last evaluated: 2025-11-01. Review status: criteria provided, single submitter. Criteria: CeGaT Center For Human Genetics Tuebingen Variant Classification Criteria Version 2. Collection method: clinical testing. Allele origin: germline. Affected: yes. Observed: 1 variant allele.
Comment: RUNX2: PM6:Strong, PS4, PM1, PM2, PM5, PP3

GeneDx
Classification: Pathogenic. Last evaluated: 2023-10-12. Review status: criteria provided, single submitter. Criteria: GeneDx Variant Classification Process June 2021. Collection method: clinical testing. Allele origin: germline. Affected: yes.
Comment: Published functional studies demonstrate a damaging effect (Zhou et al., 1999; Morrison et al., 2012); Not observed in large population cohorts (gnomAD); In silico analysis, which includes protein predictors and evolutionary conservation, supports a deleterious effect; This variant is associated with the following publications: (PMID: 24634175, 10545612, 15301373, 29087131, 28056872, 24222232, 28898321, 10521292, 32381727, 33502061, 30506733, 35169780, 22912713)

Blueprint Genetics
Classification: Pathogenic for RUNX2-related disorders. Last evaluated: 2022-11-22. Review status: criteria provided, single submitter. Criteria: ACMG Guidelines, 2015. Collection method: clinical testing. Allele origin: germline. Affected: yes. Observed: 4 variant alleles.

Clinical Genetics Laboratory, Skane University Hospital Lund
Classification: Pathogenic. Last evaluated: 2022-07-13. Review status: criteria provided, single submitter. Criteria: ACMG Guidelines, 2015. Collection method: clinical testing. Allele origin: germline. Affected: yes.

Fulgent Genetics
Classification: Pathogenic for Cleidocranial dysostosis; Metaphyseal dysplasia-maxillary hypoplasia-brachydacty syndrome. Last evaluated: 2022-02-18. Review status: criteria provided, single submitter. Criteria: ACMG Guidelines, 2015. Collection method: clinical testing. Allele origin: unknown.

Victorian Clinical Genetics Services, Murdoch Childrens Research Institute
Classification: Pathogenic for Cleidocranial dysostosis. Last evaluated: 2020-05-25. Review status: criteria provided, single submitter. Criteria: ACMG Guidelines, 2015. Collection method: clinical testing. Allele origin: germline. Inheritance: Autosomal dominant inheritance. Affected: yes.
Comment: Based on the classification scheme VCGS_Germline_v1.1.1, this variant is classified as Pathogenic. Following criteria are met: 0102 - Loss-of-function is a known mechanism of disease for this gene. Missense variants have been shown to reduce transactivation activities in this gene (PMID: 28505335, 19767586). (N) 0107 - This gene is known to be associated with autosomal dominant disease. (N) 0200 - Variant is predicted to result in a missense amino acid change from an arginine to a glutamine (exon 5). (N) 0251 - Variant is heterozygous. (N) 0301 - Variant is absent from gnomAD. (P) 0501 - Missense variant consistently predicted to be damaging by multiple in silico tools or highly conserved with a major amino acid change. (P) 0600 - Variant is located in an annotated domain or motif (Runt domain). (N) 0801 - Very strong previous evidence of pathogenicity in unrelated individuals. This variant has been reported in multiple families with cleidocranial dysplasia (ClinVar, PMID: 28056872, 28505335, 22023169). (P) 1208 - Inheritance information for this variant is not currently available. (N) Legend: (P) - Pathogenic, (N) - Neutral, (B) - Benign

Eurofins Ntd Llc (ga)
Classification: Pathogenic. Last evaluated: 2018-02-15. Review status: criteria provided, single submitter. Criteria: EGL ClinVar v180209 classification definitions. Collection method: clinical testing. Allele origin: germline. Observed: 1 variant allele, 1 heterozygote.

Center of Excellence in Precision Medicine and Digital Health (CEPMDH), Faculty of Dentistry, Chulalongkorn University
Classification: Pathogenic for Cleidocranial dysostosis. Review status: criteria provided, single submitter. Criteria: ACMG Guidelines, 2015. Collection method: clinical testing. Allele origin: de novo. Inheritance: Autosomal dominant inheritance. Affected: yes. Observed: 1 variant allele, 1 heterozygote.
Comment: This variant has been previously reported in patients with autosomal dominant cleidocranial dysplasia (OMIM 119600, Genet Mol Res. 2013 Oct 15;12(4):4567-74. PMID: 24222232) and classified as pathogenic by ACMG guidelines.

Juno Genomics, Hangzhou Juno Genomics, Inc
Classification: Pathogenic for Cleidocranial dysostosis; Metaphyseal dysplasia-maxillary hypoplasia-brachydacty syndrome. Review status: criteria provided, single submitter. Criteria: ACMG Guidelines, 2015. Collection method: clinical testing. Allele origin: germline. Affected: yes.
Comment: Absent from controls (or at extremely low frequency if recessive) in Genome Aggregation Database, Exome Sequencing Project, 1000 Genomes Project, or Exome Aggregation Consortium.;Well-established in vitro or in vivo functional studies supportive of a damaging effect on the gene or gene product.;The prevalence of the variant in affected individuals is significantly increased compared to the prevalence in controls.;Assumed de novo, but without confirmation of paternity and maternity.;Co-segregation with disease in multiple affected family members in a gene definitively known to cause the disease.

OMIM
Classification: Pathogenic for CLEIDOCRANIAL DYSPLASIA 1. Last evaluated: 1999-11-01. Review status: no assertion criteria provided. Collection method: literature only. Allele origin: germline. Not counted in ClinVar's aggregate classification.

GeneReviews
No classification provided. Condition: Cleidocranial dysostosis. Review status: no classification provided. Collection method: literature only. Allele origin: germline. Not counted in ClinVar's aggregate classification.

Genome Diagnostics Laboratory, University Medical Center Utrecht
Classification: Pathogenic. Review status: no assertion criteria provided. Collection method: clinical testing. Allele origin: germline. Affected: yes. Study: VKGL Data-share Consensus. Not counted in ClinVar's aggregate classification.

Joint Genome Diagnostic Labs from Nijmegen and Maastricht, Radboudumc and MUMC+
Classification: Pathogenic. Review status: no assertion criteria provided. Collection method: clinical testing. Allele origin: germline. Affected: yes. Study: VKGL Data-share Consensus. Not counted in ClinVar's aggregate classification.

Literature cited by the submitters: PubMed 10545612 (cited by Labcorp Genetics (formerly Invitae), Labcorp); PubMed 24222232 (cited by Labcorp Genetics (formerly Invitae), Labcorp); PubMed 24634175 (cited by Labcorp Genetics (formerly Invitae), Labcorp); PubMed 19767586 (cited by Victorian Clinical Genetics Services, Murdoch Childrens Research Institute); PubMed 22023169 (cited by Victorian Clinical Genetics Services, Murdoch Childrens Research Institute); PubMed 28056872 (cited by Victorian Clinical Genetics Services, Murdoch Childrens Research Institute); PubMed 28505335 (cited by Victorian Clinical Genetics Services, Murdoch Childrens Research Institute); PubMed 10521292 (cited by OMIM); NCBI Bookshelf NBK1513 (cited by GeneReviews).